The following is an entry in ClinVar:

NM_016151.4(TAOK2):c.2396G>A (p.Arg799Lys)

Gene: TAOK2 (TAO kinase 2; plus strand). Cytogenetic location: 16p11.2.
Variant type: single nucleotide variant.
Coding change: c.2396G>A on transcript NM_016151.4 (MANE Select); coding-DNA position 2396, G replaced by A.
Protein change: p.Arg799Lys; replaces arginine 799 with lysine.
Molecular consequence: missense variant. On other transcripts: intron variant (2).
Genome position (GRCh38, 1-based): chr16:29,986,668, G>A. VCF-style: chr16-29986668-G-A. GRCh37 (hg19) VCF-style: chr16-29997989-G-A.
Other names: c.2232+164G>A (NM_004783.4, NM_001252043.2); short protein forms R799K.
Identifiers: ClinVar variation 4714355 (VCV004714355.1).

ClinVar aggregate classification (germline): Uncertain significance (1 of 4 stars; one submission).

gnomAD v4.1: 1 of 1,613,054 alleles (0.000062%); highest among the groups gnomAD compares: Non-Finnish European, 0.000085%; no homozygotes.

Submission:

Labcorp Genetics (formerly Invitae), Labcorp
Classification: Uncertain significance. Last evaluated: 2025-03-04. Review status: criteria provided, single submitter. Criteria: Invitae Variant Classification Sherloc (09022015). Collection method: clinical testing. Allele origin: germline.
Comment: This sequence change replaces arginine, which is basic and polar, with lysine, which is basic and polar, at codon 799 of the TAOK2 protein (p.Arg799Lys). This variant is not present in population databases (gnomAD no frequency). This variant has not been reported in the literature in individuals affected with TAOK2-related conditions. An algorithm developed to predict the effect of missense changes on protein structure and function (PolyPhen-2) suggests that this variant is likely to be tolerated. In summary, the available evidence is currently insufficient to determine the role of this variant in disease. Therefore, it has been classified as a Variant of Uncertain Significance.